The following is an entry in ClinVar:

ClinVar aggregate classification (germline): Uncertain significance. Review status: criteria provided, multiple submitters, no conflicts (2 of 4 stars). 4 submissions from 4 submitters: Uncertain significance (4). Last evaluated 2025-08-13.

Conditions:
Hereditary cancer-predisposing syndrome. Also called: Neoplastic Syndromes, Hereditary; Tumor predisposition; Hereditary Cancer Syndrome; Hereditary neoplastic syndrome. Identifiers: Orphanet 140162, MedGen C0027672, MeSH D009386, MONDO:0015356.
Familial cancer of breast. Also called: BREAST CANCER, FAMILIAL; hereditary breast carcinoma; Hereditary breast cancer. Identifiers: Orphanet 227535, MedGen C0346153, MONDO:0016419, OMIM 114480. Disease mechanism: loss of function.

Submissions (4):

Labcorp Genetics (formerly Invitae), Labcorp
Classification: Uncertain significance for Familial cancer of breast. Last evaluated: 2025-08-13. Review status: criteria provided, single submitter. Criteria: Invitae Variant Classification Sherloc (09022015). Collection method: clinical testing. Allele origin: germline.
Comment: This sequence change replaces serine, which is neutral and polar, with isoleucine, which is neutral and non-polar, at codon 660 of the BARD1 protein (p.Ser660Ile). This variant is not present in population databases (gnomAD no frequency). This variant has not been reported in the literature in individuals affected with BARD1-related conditions. ClinVar contains an entry for this variant (Variation ID: 230790). An algorithm developed to predict the effect of missense changes on protein structure and function (PolyPhen-2) suggests that this variant is likely to be disruptive. In summary, the available evidence is currently insufficient to determine the role of this variant in disease. Therefore, it has been classified as a Variant of Uncertain Significance.

Color Diagnostics, LLC DBA Color Health
Classification: Uncertain significance for Hereditary cancer-predisposing syndrome. Last evaluated: 2024-03-06. Review status: criteria provided, single submitter. Criteria: ACMG Guidelines, 2015. Collection method: clinical testing. Allele origin: germline.
Comment: This missense variant replaces serine with isoleucine at codon 660 of the BARD1 protein. Computational prediction suggests that this variant may not impact protein structure and function (internally defined REVEL score threshold <= 0.5, PMID: 27666373). Splice site prediction tools suggest that this variant may not impact RNA splicing. To our knowledge, functional studies have not been performed for this variant. This variant has not been reported in individuals affected with hereditary cancer in the literature. This variant has not been identified in the general population by the Genome Aggregation Database (gnomAD). The available evidence is insufficient to determine the role of this variant in disease conclusively. Therefore, this variant is classified as a Variant of Uncertain Significance.

Ambry Genetics
Classification: Uncertain significance for Hereditary cancer-predisposing syndrome. Last evaluated: 2024-01-12. Review status: criteria provided, single submitter. Criteria: Ambry Variant Classification Scheme 2023. Collection method: clinical testing. Allele origin: germline.
Comment: The p.S660I variant (also known as c.1979G>T), located in coding exon 10 of the BARD1 gene, results from a G to T substitution at nucleotide position 1979. The serine at codon 660 is replaced by isoleucine, an amino acid with dissimilar properties. This amino acid position is well conserved in available vertebrate species. In addition, the in silico prediction for this alteration is inconclusive. Since supporting evidence is limited at this time, the clinical significance of this alteration remains unclear.

GeneDx
Classification: Uncertain significance. Last evaluated: 2023-02-21. Review status: criteria provided, single submitter. Criteria: GeneDx Variant Classification Process June 2021. Collection method: clinical testing. Allele origin: germline. Affected: yes.
Comment: Not observed at significant frequency in large population cohorts (gnomAD); In silico analysis supports that this missense variant has a deleterious effect on protein structure/function; Has not been previously published as pathogenic or benign to our knowledge

NM_000465.4(BARD1):c.1979G>T (p.Ser660Ile)

Gene: BARD1 (BRCA1 associated RING domain 1; minus strand). Cytogenetic location: 2q35.
Variant type: single nucleotide variant.
Coding change: c.1979G>T on transcript NM_000465.4 (MANE Select); coding-DNA position 1979, G replaced by T.
Protein change: p.Ser660Ile; replaces serine 660 with isoleucine.
Molecular consequence: missense variant. On other transcripts: non-coding transcript variant (3).
Genome position (GRCh38, 1-based): chr2:214,730,433, C>A on the plus strand (G>T on the coding strand, the complement: BARD1 is on the minus strand). VCF-style: chr2-214730433-C-A. GRCh37 (hg19) VCF-style: chr2-215595157-C-A.
Other names: c.1922G>T, p.Ser641Ile (NM_001282543.2); c.626G>T, p.Ser209Ile (NM_001282545.2); c.569G>T, p.Ser190Ile (NM_001282548.2); c.440G>T, p.Ser147Ile (NM_001282549.2); short protein forms S660I, S209I, S147I, S190I, S641I.
Identifiers: ClinVar variation 230790 (VCV000230790.21), dbSNP rs876658774, ClinGen allele CA10577772.